The following is an entry in ClinVar:

ClinVar aggregate classification (germline): Uncertain significance. Review status: criteria provided, multiple submitters, no conflicts (2 of 4 stars). 2 submissions from 2 submitters: Uncertain significance (2). Last evaluated 2023-05-15.

Conditions:
DICER1-related tumor predisposition. Also called: DICER1 syndrome; DICER1-related pleuropulmonary blastoma cancer predisposition syndrome. Identifiers: Orphanet 284343, MedGen C3839822, MONDO:0100216.
Hereditary cancer-predisposing syndrome. Also called: Hereditary neoplastic syndrome; Tumor predisposition; Neoplastic Syndromes, Hereditary; Hereditary Cancer Syndrome. Identifiers: Orphanet 140162, MedGen C0027672, MeSH D009386, MONDO:0015356.

Submissions (2):

Labcorp Genetics (formerly Invitae), Labcorp
Classification: Uncertain significance for DICER1-related tumor predisposition. Last evaluated: 2023-05-15. Review status: criteria provided, single submitter. Criteria: Invitae Variant Classification Sherloc (09022015). Collection method: clinical testing. Allele origin: germline.
Comment: In summary, the available evidence is currently insufficient to determine the role of this variant in disease. Therefore, it has been classified as a Variant of Uncertain Significance. Advanced modeling of protein sequence and biophysical properties (such as structural, functional, and spatial information, amino acid conservation, physicochemical variation, residue mobility, and thermodynamic stability) performed at Invitae indicates that this missense variant is not expected to disrupt DICER1 protein function. ClinVar contains an entry for this variant (Variation ID: 2451738). This variant has not been reported in the literature in individuals affected with DICER1-related conditions. This variant is not present in population databases (gnomAD no frequency). This sequence change replaces valine, which is neutral and non-polar, with isoleucine, which is neutral and non-polar, at codon 1593 of the DICER1 protein (p.Val1593Ile).

Ambry Genetics
Classification: Uncertain significance for Hereditary cancer-predisposing syndrome. Last evaluated: 2023-03-02. Review status: criteria provided, single submitter. Criteria: Ambry Variant Classification Scheme 2023. Collection method: clinical testing. Allele origin: germline.
Comment: The p.V1593I variant (also known as c.4777G>A), located in coding exon 22 of the DICER1 gene, results from a G to A substitution at nucleotide position 4777. The valine at codon 1593 is replaced by isoleucine, an amino acid with highly similar properties. This amino acid position is conserved. In addition, this alteration is predicted to be tolerated by in silico analysis. Since supporting evidence is limited at this time, the clinical significance of this alteration remains unclear.

NM_177438.3(DICER1):c.4777G>A (p.Val1593Ile)

Gene: DICER1 (dicer 1, ribonuclease III; minus strand). Cytogenetic location: 14q32.13.
Variant type: single nucleotide variant.
Coding change: c.4777G>A on transcript NM_177438.3 (MANE Select); coding-DNA position 4777, G replaced by A.
Protein change: p.Val1593Ile; replaces valine 1593 with isoleucine.
Molecular consequence: missense variant. On other transcripts: non-coding transcript variant (6).
Genome position (GRCh38, 1-based): chr14:95,096,143, C>T on the plus strand (G>A on the coding strand, the complement: DICER1 is on the minus strand). VCF-style: chr14-95096143-C-T. GRCh37 (hg19) VCF-style: chr14-95562480-C-T.
Other names: c.4777G>A, p.Val1593Ile (NM_001195573.1, NM_001271282.3, NM_001291628.2 and 13 more transcripts); c.4495G>A, p.Val1499Ile (NM_001395686.1); c.4372G>A, p.Val1458Ile (NM_001395687.1, NM_001395688.1, NM_001395689.1 and 2 more transcripts); c.4210G>A, p.Val1404Ile (NM_001395691.1); c.3094G>A, p.Val1032Ile (NM_001395697.1); short protein forms V1404I, V1458I, V1499I, V1032I, V1593I.
Identifiers: ClinVar variation 2451738 (VCV002451738.5), dbSNP rs1060503644, ClinGen allele CA390867210.
Genomic context (GRCh38, chr14:95,096,143, plus strand): 5'-GGCTGTTGAAATTCTCCCGAGTAGGGCACAGGGCCTTTTCCCGATCAGTCCTTTTAATTA[C>T]CGGGAGCACCTTCAGCCCCAGTGAACAGAGGAAAAGCTGAGCAGCCCTCTCCCCACAGCT-3'
Protein context (NP_803187.1, residues 1583-1603): LCSLGLKVLP[Val1593Ile]IKRTDREKAL